The following is an entry in ClinVar:

NM_000179.3(MSH6):c.675dup (p.Glu226Ter)

Gene: MSH6 (mutS homolog 6; plus strand). Cytogenetic location: 2p16.3.
Variant type: Duplication.
Coding change: c.675dup on transcript NM_000179.3 (MANE Select); coding-DNA position 675, one base duplicated (T; older notation c.675dupT).
Protein change: p.Glu226Ter; replaces glutamic acid 226 with a stop codon.
Molecular consequence: nonsense. On other transcripts: frameshift variant (28), 5 prime UTR variant (2).
Genome position (GRCh38, 1-based): chr2:47,798,658, T duplicated; the last of 2 consecutive T bases (chr2:47,798,657-47,798,658); duplicating either gives the same sequence. VCF-style (leftmost placement, unchanged base first): chr2-47798656-A-AT. GRCh37 (hg19) VCF-style: chr2-48025795-A-AT.
Other names: c.378dup, p.Glu127Terfs (NM_001406830.1, NM_001406797.1, NM_001406801.1 and 10 more transcripts); c.285dup, p.Glu96Ter (NM_001281492.2); c.-232dup (NM_001281493.2, NM_001281494.2, NM_001406811.1 and 6 more transcripts); c.771dup, p.Glu258Terfs (NM_001406795.1, NM_001406802.1); c.675dup, p.Glu226Terfs (NM_001406796.1, NM_001406798.1, NM_001406800.1 and 4 more transcripts); c.150dup, p.Glu51Terfs (NM_001406799.1, NM_001406806.1, NM_001406807.1); c.597dup, p.Glu200Terfs (NM_001406804.1); c.681dup, p.Glu228Terfs (NM_001406813.1); and 1 more; short protein forms E226*, E96*.
Identifiers: ClinVar variation 2027774 (VCV002027774.5), dbSNP rs2530564953, ClinGen allele CA2580067208.

ClinVar aggregate classification (germline): Pathogenic/Likely pathogenic. Review status: criteria provided, multiple submitters, no conflicts (2 of 4 stars). 2 submissions from 2 submitters: Pathogenic (1); Likely pathogenic (1). Last evaluated 2022-08-29.

Conditions:
Hereditary nonpolyposis colorectal neoplasms. Identifiers: MedGen C0009405, MeSH D003123.
Endometrial carcinoma. Also called: Endometrial carcinoma, somatic. Identifiers: MedGen C0476089, MONDO:0002447, OMIM 608089, HP:0012114.

Submissions (2):

Labcorp Genetics (formerly Invitae), Labcorp
Classification: Pathogenic for Hereditary nonpolyposis colorectal neoplasms. Last evaluated: 2022-08-29. Review status: criteria provided, single submitter. Criteria: Invitae Variant Classification Sherloc (09022015). Collection method: clinical testing. Allele origin: germline.
Comment: This sequence change creates a premature translational stop signal (p.Glu226*) in the MSH6 gene. It is expected to result in an absent or disrupted protein product. Loss-of-function variants in MSH6 are known to be pathogenic (PMID: 18269114, 24362816). This variant is not present in population databases (gnomAD no frequency). This variant has not been reported in the literature in individuals affected with MSH6-related conditions. For these reasons, this variant has been classified as Pathogenic.

Baylor Genetics
Classification: Likely pathogenic for Endometrial carcinoma. Last evaluated: 2022-06-28. Review status: criteria provided, single submitter. Criteria: ACMG Guidelines, 2015. Collection method: clinical testing. Allele origin: unknown.

Literature cited by the submitters: PubMed 18269114 (cited by Labcorp Genetics (formerly Invitae), Labcorp); PubMed 24362816 (cited by Labcorp Genetics (formerly Invitae), Labcorp).